The following is an entry in ClinVar:

NM_000444.6(PHEX):c.725C>G (p.Ala242Gly)

Gene: PHEX (phosphate regulating endopeptidase X-linked; plus strand). Cytogenetic location: Xp22.11.
Variant type: single nucleotide variant.
Coding change: c.725C>G on transcript NM_000444.6 (MANE Select); coding-DNA position 725, C replaced by G.
Protein change: p.Ala242Gly; replaces alanine 242 with glycine.
Molecular consequence: missense variant.
Genome position (GRCh38, 1-based): chrX:22,090,490, C>G. VCF-style: chrX-22090490-C-G. GRCh37 (hg19) VCF-style: chrX-22108608-C-G.
Other names: c.725C>G, p.Ala242Gly (NM_001282754.2); short protein forms A242G.
Identifiers: ClinVar variation 3626398 (VCV003626398.2).

ClinVar aggregate classification (germline): Uncertain significance (1 of 4 stars; one submission).

Submission:

Labcorp Genetics (formerly Invitae), Labcorp
Classification: Uncertain significance. Last evaluated: 2025-01-21. Review status: criteria provided, single submitter. Criteria: Invitae Variant Classification Sherloc (09022015). Collection method: clinical testing. Allele origin: germline.
Comment: This sequence change replaces alanine, which is neutral and non-polar, with glycine, which is neutral and non-polar, at codon 242 of the PHEX protein (p.Ala242Gly). This variant is not present in population databases (gnomAD no frequency). This variant has not been reported in the literature in individuals affected with PHEX-related conditions. Invitae Evidence Modeling of protein sequence and biophysical properties (such as structural, functional, and spatial information, amino acid conservation, physicochemical variation, residue mobility, and thermodynamic stability) has been performed for this missense variant. However, the output from this modeling did not meet the statistical confidence thresholds required to predict the impact of this variant on PHEX protein function. Algorithms developed to predict the effect of sequence changes on RNA splicing suggest that this variant may create or strengthen a splice site. In summary, the available evidence is currently insufficient to determine the role of this variant in disease. Therefore, it has been classified as a Variant of Uncertain Significance.